The following is an entry in ClinVar:

ClinVar aggregate classification (germline): Pathogenic (1 of 4 stars; one submission).

Conditions:
Hereditary cancer-predisposing syndrome. Also called: Neoplastic Syndromes, Hereditary; Tumor predisposition; Hereditary Cancer Syndrome; Hereditary neoplastic syndrome. Identifiers: Orphanet 140162, MedGen C0027672, MeSH D009386, MONDO:0015356.

Submission:

Ambry Genetics
Classification: Pathogenic for Hereditary cancer-predisposing syndrome. Last evaluated: 2021-11-29. Review status: criteria provided, single submitter. Criteria: Ambry Variant Classification Scheme 2023. Collection method: clinical testing. Allele origin: germline.
Comment: The c.299_302delAAGA pathogenic mutation, located in coding exon 2 of the FLCN gene, results from a deletion of 4 nucleotides at nucleotide positions 299 to 302, causing a translational frameshift with a predicted alternate stop codon (p.K100Rfs*29). This variant is considered to be rare based on population cohorts in the Genome Aggregation Database (gnomAD). This alteration is expected to result in loss of function by premature protein truncation or nonsense-mediated mRNA decay. As such, this alteration is interpreted as a disease-causing mutation.

NM_144997.7(FLCN):c.299_302del (p.Lys100fs)

Gene: FLCN (folliculin; minus strand). Cytogenetic location: 17p11.2.
Variant type: Deletion.
Coding change: c.299_302del on transcript NM_144997.7 (MANE Select); coding-DNA positions 299 to 302, 4 bases deleted (AAGA; older notation c.299_302delAAGA).
Protein change: p.Lys100fs; shifts the reading frame from lysine 100.
Molecular consequence: frameshift variant.
Genome position (GRCh38, 1-based): chr17:17,226,270-17,226,273, TCTT deleted on the plus strand (AAGA on the coding strand, the reverse complement: FLCN is on the minus strand); deleting any 4 consecutive bases within chr17:17,226,270-17,226,274 gives the same sequence; the c. name uses the placement nearest the transcript's 3' end. VCF-style (leftmost placement, unchanged base first): chr17-17226269-CTCTT-C. GRCh37 (hg19) VCF-style: chr17-17129583-CTCTT-C.
Other names: c.299_302del, p.Lys100fs (NM_001353229.2, NM_001353230.2, NM_001353231.2 and 1 more transcripts); c.299_302delAAGA (NM_144997.5); short protein forms K100fs.
Identifiers: ClinVar variation 1798512 (VCV001798512.2), dbSNP rs2544282524, ClinGen allele CA2580092662.